The following is an entry in ClinVar:

ClinVar aggregate classification (germline): Uncertain significance (1 of 4 stars; one submission).

Conditions:
Hereditary cancer-predisposing syndrome. Also called: Neoplastic Syndromes, Hereditary; Tumor predisposition; Hereditary Cancer Syndrome; Hereditary neoplastic syndrome. Identifiers: Orphanet 140162, MedGen C0027672, MeSH D009386, MONDO:0015356.

Submission:

Ambry Genetics
Classification: Uncertain significance for Hereditary cancer-predisposing syndrome. Last evaluated: 2025-10-02. Review status: criteria provided, single submitter. Criteria: Ambry Variant Classification Scheme 2023. Collection method: clinical testing. Allele origin: germline.
Comment: The p.K586E variant (also known as c.1756A>G), located in coding exon 14 of the APC gene, results from an A to G substitution at nucleotide position 1756. The lysine at codon 586 is replaced by glutamic acid, an amino acid with similar properties. This amino acid position is highly conserved in available vertebrate species. In addition, in silico predictors for this gene do not accurately predict pathogenicity. Missense variants in APC are not a common cause of disease (Spier I et al. Genet Med. 2024 Feb;26(2):100992). Based on the available evidence, the clinical significance of this variant remains unclear.

NM_000038.6(APC):c.1756A>G (p.Lys586Glu)

Gene: APC (APC regulator of Wnt signaling pathway; plus strand). Cytogenetic location: 5q22.2.
Variant type: single nucleotide variant.
Coding change: c.1756A>G on transcript NM_000038.6 (MANE Select); coding-DNA position 1756, A replaced by G.
Protein change: p.Lys586Glu; replaces lysine 586 with glutamic acid.
Molecular consequence: missense variant. On other transcripts: non-coding transcript variant (2).
Genome position (GRCh38, 1-based): chr5:112,834,963, A>G. VCF-style: chr5-112834963-A-G. GRCh37 (hg19) VCF-style: chr5-112170660-A-G.
Other names: c.1756A>G, p.Lys586Glu (NM_001127510.3, NM_001354895.2, NM_001407450.1); c.1702A>G, p.Lys568Glu (NM_001127511.3); c.1810A>G, p.Lys604Glu (NM_001354896.2, NM_001407447.1, NM_001407448.1 and 1 more transcripts); c.1786A>G, p.Lys596Glu (NM_001354897.2); c.1681A>G, p.Lys561Glu (NM_001354898.2); c.1672A>G, p.Lys558Glu (NM_001354899.2); c.1633A>G, p.Lys545Glu (NM_001354900.2); c.1579A>G, p.Lys527Glu (NM_001354901.2, NM_001407453.1); and 11 more; short protein forms K303E, K527E, K576E, K596E, K202E, K426E, K614E, K457E.
Identifiers: ClinVar variation 4579233 (VCV004579233.1).
Genomic context (GRCh38, chr5:112,834,963, plus strand): 5'-GACAAATTCCAACTCTAATTAGATGACCCATATTCTGTTTCTTACTAGGAATCAACCCTC[A>G]AAAGCGTATTGAGTGCCTTATGGAATTTGTCAGCACATTGCACTGAGAATAAAGCTGATA-3'
Protein context (NP_000029.2, residues 576-596): ALEVKKESTL[Lys586Glu]SVLSALWNLS